The following is an entry in ClinVar:

NM_001077365.2(POMT1):c.1825+3_1825+16del

Gene: POMT1 (protein O-mannosyltransferase 1; plus strand). Cytogenetic location: 9q34.13.
Variant type: Deletion.
Coding change: c.1825+3_1825+16del on transcript NM_001077365.2 (MANE Select); bases 3 to 16 of the intron after coding-DNA position 1825, 14 bases deleted (TAGTACCTCTCCCA).
Molecular consequence: intron variant.
Genome position (GRCh38, 1-based): chr9:131,521,475-131,521,488, TAGTACCTCTCCCA deleted. VCF-style (leftmost placement, unchanged base first): chr9-131521474-TTAGTACCTCTCCCA-T. GRCh37 (hg19) VCF-style: chr9-134396861-TTAGTACCTCTCCCA-T.
Other names: c.1729+3_1729+16del (NM_001353198.2, NM_001353197.2); c.1891+3_1891+16del (NM_001353193.2, NM_007171.4); c.1825+3_1825+16del (NM_001136113.2); c.1663+3_1663+16del (NM_001353194.2, NM_001077366.2); c.1474+3_1474+16del (NM_001374691.1, NM_001353195.2, NM_001374692.1 and 2 more transcripts); c.1606+3_1606+16del (NM_001374690.1); c.1735+3_1735+16del (NM_001353196.2); c.1435+3_1435+16del (NM_001374695.1); and 3 more.
Identifiers: ClinVar variation 2004737 (VCV002004737.4), dbSNP rs2539455209, ClinGen allele CA2580079876.

ClinVar aggregate classification (germline): Uncertain significance (1 of 4 stars; one submission).

Conditions:
Walker-Warburg congenital muscular dystrophy. Also called: Muscular dystrophy-dystroglycanopathy, type A; Walker-Warburg syndrome. Identifiers: Orphanet 899, MedGen C0265221, MONDO:0000171.
Muscular dystrophy-dystroglycanopathy (congenital with impaired intellectual development), type B, 1. Also called: MUSCULAR DYSTROPHY, CONGENITAL, POMT1-RELATED; Muscular dystrophy-dystroglycanopathy (congenital with intellectual disability), type B1. Identifiers: MedGen C5436962, MONDO:0013159, OMIM 613155.
Autosomal recessive limb-girdle muscular dystrophy type 2K. Also called: MUSCULAR DYSTROPHY-DYSTROGLYCANOPATHY (LIMB-GIRDLE), TYPE C, 1; MUSCULAR DYSTROPHY, LIMB-GIRDLE, TYPE 2K. Identifiers: Orphanet 86812, MedGen C1836373, MONDO:0012248, OMIM 609308.

Submission:

Labcorp Genetics (formerly Invitae), Labcorp
Classification: Uncertain significance for Muscular dystrophy-dystroglycanopathy (congenital with impaired intellectual development), type B, 1; Walker-Warburg congenital muscular dystrophy; Autosomal recessive limb-girdle muscular dystrophy type 2K. Last evaluated: 2022-06-11. Review status: criteria provided, single submitter. Criteria: Invitae Variant Classification Sherloc (09022015). Collection method: clinical testing. Allele origin: germline.
Comment: This sequence change falls in intron 18 of the POMT1 gene. It does not directly change the encoded amino acid sequence of the POMT1 protein. It affects a nucleotide within the consensus splice site. This variant is not present in population databases (gnomAD no frequency). This variant has not been reported in the literature in individuals affected with POMT1-related conditions. Variants that disrupt the consensus splice site are a relatively common cause of aberrant splicing (PMID: 17576681, 9536098). Algorithms developed to predict the effect of sequence changes on RNA splicing suggest that this variant may disrupt the consensus splice site. In summary, the available evidence is currently insufficient to determine the role of this variant in disease. Therefore, it has been classified as a Variant of Uncertain Significance.

Literature cited by the submitters: PubMed 17576681; PubMed 9536098.